The following is an entry in ClinVar:

ClinVar aggregate classification (germline): Uncertain significance (1 of 4 stars; one submission).

gnomAD v4.1: 1 of 1,614,142 alleles (0.000062%); highest among the groups gnomAD compares: Middle Eastern, 0.016%; no homozygotes.

Submission:

Dasa
Classification: Uncertain significance. Last evaluated: 2025-08-06. Review status: criteria provided, single submitter. Criteria: DASA Assertion Criteria. Collection method: clinical testing. Allele origin: germline.
Comment: NM_006421.5(ARFGEF1):c.5068C>T (p.His1690Tyr) is a missense variant that results in the substitution of histidine with tyrosine. This variant is rare in population databases. The currently available literature and clinical evidence are not sufficient to establish a definitive association between this variant and the reported condition. Therefore, this variant is classified as a variant of uncertain significance.

NM_006421.5(ARFGEF1):c.5068C>T (p.His1690Tyr)

Gene: ARFGEF1 (ARF guanine nucleotide exchange factor 1; minus strand). Cytogenetic location: 8q13.2.
Variant type: single nucleotide variant.
Coding change: c.5068C>T on transcript NM_006421.5 (MANE Select); coding-DNA position 5068, C replaced by T.
Protein change: p.His1690Tyr; replaces histidine 1690 with tyrosine.
Molecular consequence: missense variant. On other transcripts: non-coding transcript variant (1).
Genome position (GRCh38, 1-based): chr8:67,203,143, G>A on the plus strand (C>T on the coding strand, the complement: ARFGEF1 is on the minus strand). VCF-style: chr8-67203143-G-A. GRCh37 (hg19) VCF-style: chr8-68115378-G-A.
Other names: c.5068C>T, p.His1690Tyr (NM_001413184.1, NM_001413187.1, NM_001413194.1); c.5050C>T, p.His1684Tyr (NM_001413185.1, NM_001413186.1, NM_001413189.1); c.4468C>T, p.His1490Tyr (NM_001413188.1, NM_001413197.1); c.5062C>T, p.His1688Tyr (NM_001413190.1); c.4972C>T, p.His1658Tyr (NM_001413191.1); c.4954C>T, p.His1652Tyr (NM_001413192.1); c.4450C>T, p.His1484Tyr (NM_001413193.1); c.3643C>T, p.His1215Tyr (NM_001413196.1); short protein forms H1215Y, H1484Y, H1490Y, H1652Y, H1658Y, H1684Y, H1688Y, H1690Y.
Identifiers: ClinVar variation 4881430 (VCV004881430.2).